The following is an entry in ClinVar:

ClinVar aggregate classification (germline): Uncertain significance. Review status: criteria provided, multiple submitters, no conflicts (2 of 4 stars). 2 submissions from 2 submitters: Uncertain significance (2). Last evaluated 2025-10-17.

Allele frequency attached by ClinVar (database versions not stated): ExAC 0.00002; gnomAD exomes 0.00002 and 0.00004; TOPMed 0.00002.
gnomAD v4.1: 13 of 1,614,188 alleles (0.00081%); highest among the groups gnomAD compares: Admixed American, 0.02%; no homozygotes.

Submissions (2):

Ambry Genetics
Classification: Uncertain significance. Last evaluated: 2025-10-17. Review status: criteria provided, single submitter. Criteria: Ambry Variant Classification Scheme 2023. Collection method: clinical testing. Allele origin: germline.

Labcorp Genetics (formerly Invitae), Labcorp
Classification: Uncertain significance. Last evaluated: 2022-07-12. Review status: criteria provided, single submitter. Criteria: Invitae Variant Classification Sherloc (09022015). Collection method: clinical testing. Allele origin: germline.
Comment: This variant has not been reported in the literature in individuals affected with EXOC8-related conditions. This sequence change replaces glutamic acid, which is acidic and polar, with glycine, which is neutral and non-polar, at codon 368 of the EXOC8 protein (p.Glu368Gly). This variant is present in population databases (rs765305372, gnomAD 0.03%). ClinVar contains an entry for this variant (Variation ID: 1401390). Algorithms developed to predict the effect of missense changes on protein structure and function (SIFT, PolyPhen-2, Align-GVGD) all suggest that this variant is likely to be tolerated. In summary, the available evidence is currently insufficient to determine the role of this variant in disease. Therefore, it has been classified as a Variant of Uncertain Significance.

NM_175876.5(EXOC8):c.1103A>G (p.Glu368Gly)

Gene: EXOC8 (exocyst complex component 8; minus strand). Cytogenetic location: 1q42.2.
Variant type: single nucleotide variant.
Coding change: c.1103A>G on transcript NM_175876.5 (MANE Select); coding-DNA position 1103, A replaced by G.
Protein change: p.Glu368Gly; replaces glutamic acid 368 with glycine.
Molecular consequence: missense variant.
Genome position (GRCh38, 1-based): chr1:231,336,643, T>C on the plus strand (A>G on the coding strand, the complement: EXOC8 is on the minus strand). VCF-style: chr1-231336643-T-C. GRCh37 (hg19) VCF-style: chr1-231472389-T-C.
Other names: c.1103A>G (NM_175876.3); short protein forms E368G.
Identifiers: ClinVar variation 1401390 (VCV001401390.9), dbSNP rs765305372, ClinGen allele CA1452369.